The following is an entry in ClinVar:

NM_001040716.2(PC):c.260dup (p.Arg88fs)

Gene: PC (pyruvate carboxylase; minus strand). Cytogenetic location: 11q13.2.
Variant type: Duplication.
Coding change: c.260dup on transcript NM_001040716.2 (MANE Select); coding-DNA position 260, one base duplicated (G; older notation c.260dupG).
Protein change: p.Arg88fs; shifts the reading frame from arginine 88.
Molecular consequence: frameshift variant.
Genome position (GRCh38, 1-based): chr11:66,871,748, C duplicated on the plus strand (G on the coding strand, the reverse complement: PC is on the minus strand); the first of 2 consecutive C bases (chr11:66,871,748-66,871,749); duplicating either gives the same sequence. VCF-style (leftmost placement, unchanged base first): chr11-66871747-G-GC. GRCh37 (hg19) VCF-style: chr11-66639218-G-GC.
Other names: c.260dup, p.Arg88fs (NM_000920.4, NM_001439352.1, NM_001439353.1 and 5 more transcripts); short protein forms R88fs.
Identifiers: ClinVar variation 5012186 (VCV005012186.1).
Genomic context (GRCh38, chr11:66,871,747, plus strand): 5'-CTTGGCCACCTTGATGATGTCTGGGATGTGCAGGTAGGCCTGCACGGGGGCCAGGCCGCG[G>GC]CCGATGAGATAGGCTTCATCTGCTTTCTGCCGGTGCATCTGGCCCGTGTCCTGCTCAGAG-3'

ClinVar aggregate classification (germline): Pathogenic (1 of 4 stars; one submission).

Conditions:
Pyruvate carboxylase deficiency. Also called: ATAXIA WITH LACTIC ACIDOSIS II; LEIGH NECROTIZING ENCEPHALOPATHY DUE TO PYRUVATE CARBOXYLASE DEFICIENCY; LEIGH SYNDROME DUE TO PYRUVATE CARBOXYLASE DEFICIENCY; PC DEFICIENCY; Pyruvate Carboxylase Deficiency Disease. Identifiers: Orphanet 3008, MedGen C0034341, MONDO:0009949, OMIM 266150.

Submission:

Myriad Genetics, Inc.
Classification: Pathogenic for Pyruvate carboxylase deficiency. Last evaluated: 2023-09-27. Review status: criteria provided, single submitter. Criteria: Myriad Autosomal Dominant, Autosomal Recessive and X-Linked Classification Criteria (2023). Collection method: clinical testing. Allele origin: unknown.
Comment: NM_000920.3(PC):c.260dupG(R88Pfs*36) is expected to be pathogenic in the context of pyruvate carboxylase deficiency. This variant is predicted to lead to an abnormal or absent protein product due to the creation of a premature termination codon in PC, a gene where loss-of-function variants are known to be pathogenic. Please note: this variant was assessed in the context of healthy population screening.